The following is an entry in ClinVar:

ClinVar aggregate classification (germline): Uncertain significance (1 of 4 stars; one submission).

Conditions:
RASopathy. Also called: rasopathies; Noonan spectrum disorder. Identifiers: Orphanet 536391, MedGen C5555857, MONDO:0021060.

Allele frequency attached by ClinVar (database versions not stated): ExAC 0.00001.

Submission:

Labcorp Genetics (formerly Invitae), Labcorp
Classification: Uncertain significance for RASopathy. Last evaluated: 2023-10-05. Review status: criteria provided, single submitter. Criteria: Invitae Variant Classification Sherloc (09022015). Collection method: clinical testing. Allele origin: germline.
Comment: This sequence change replaces arginine, which is basic and polar, with threonine, which is neutral and polar, at codon 1312 of the SOS1 protein (p.Arg1312Thr). This variant is not present in population databases (gnomAD no frequency). This variant has not been reported in the literature in individuals affected with SOS1-related conditions. Advanced modeling of protein sequence and biophysical properties (such as structural, functional, and spatial information, amino acid conservation, physicochemical variation, residue mobility, and thermodynamic stability) has been performed at Invitae for this missense variant, however the output from this modeling did not meet the statistical confidence thresholds required to predict the impact of this variant on SOS1 protein function. In summary, the available evidence is currently insufficient to determine the role of this variant in disease. Therefore, it has been classified as a Variant of Uncertain Significance.

NM_005633.4(SOS1):c.3935G>C (p.Arg1312Thr)

Gene: SOS1 (SOS Ras/Rac guanine nucleotide exchange factor 1; minus strand). Cytogenetic location: 2p22.1.
Variant type: single nucleotide variant.
Coding change: c.3935G>C on transcript NM_005633.4 (MANE Select); coding-DNA position 3935, G replaced by C.
Protein change: p.Arg1312Thr; replaces arginine 1312 with threonine.
Molecular consequence: missense variant.
Genome position (GRCh38, 1-based): chr2:38,985,891, C>G on the plus strand (G>C on the coding strand, the complement: SOS1 is on the minus strand). VCF-style: chr2-38985891-C-G. GRCh37 (hg19) VCF-style: chr2-39213032-C-G.
Other names: c.3914G>C, p.Arg1305Thr (NM_001382394.1); c.3890G>C, p.Arg1297Thr (NM_001382395.1); short protein forms R1305T, R1297T, R1312T.
Identifiers: ClinVar variation 2765812 (VCV002765812.3), dbSNP rs768386760, ClinGen allele CA1624095.